The following is an entry in ClinVar:

ClinVar aggregate classification (germline): Uncertain significance (1 of 4 stars; one submission).

Submission:

Labcorp Genetics (formerly Invitae), Labcorp
Classification: Uncertain significance. Last evaluated: 2024-11-11. Review status: criteria provided, single submitter. Criteria: Invitae Variant Classification Sherloc (09022015). Collection method: clinical testing. Allele origin: germline.
Comment: This sequence change results in a frameshift in the PDE6B gene (p.Thr837Argfs*54). While this is not anticipated to result in nonsense mediated decay, it is expected to disrupt the last 18 amino acid(s) of the PDE6B protein and extend the protein by 35 additional amino acid residues. This variant is not present in population databases (gnomAD no frequency). This variant has not been reported in the literature in individuals affected with PDE6B-related conditions. Experimental studies and prediction algorithms are not available or were not evaluated, and the functional significance of this variant is currently unknown. In summary, the available evidence is currently insufficient to determine the role of this variant in disease. Therefore, it has been classified as a Variant of Uncertain Significance.

NM_000283.4(PDE6B):c.2510_2511del (p.Thr837fs)

Gene: PDE6B (phosphodiesterase 6B; plus strand). Cytogenetic location: 4p16.3.
Variant type: Microsatellite.
Coding change: c.2510_2511del on transcript NM_000283.4 (MANE Select); coding-DNA positions 2510 to 2511, 2 bases deleted (CA; older notation c.2510_2511delCA).
Protein change: p.Thr837fs; shifts the reading frame from threonine 837.
Molecular consequence: frameshift variant.
Genome position (GRCh38, 1-based): chr4:670,052-670,053, CA deleted; deleting any 2 consecutive bases within chr4:670,050-670,053 gives the same sequence; the c. name uses the placement nearest the transcript's 3' end. VCF-style (leftmost placement, unchanged base first): chr4-670049-GCA-G. GRCh37 (hg19) VCF-style: chr4-663838-GCA-G.
Other names: c.2507_2508del, p.Thr836fs (NM_001145291.2); c.1673_1674del, p.Thr558fs (NM_001145292.2, NM_001379246.1, NM_001379247.1); c.1608_1609del, p.His536fs (NM_001350154.3); c.1290_1291del, p.His430fs (NM_001350155.3); short protein forms H430fs, T836fs, H536fs, T837fs, T558fs.
Identifiers: ClinVar variation 3689193 (VCV003689193.2).